The following is an entry in ClinVar:

NM_001005337.3(PKP1):c.2146G>A (p.Ala716Thr)

Gene: PKP1 (plakophilin 1; plus strand). Cytogenetic location: 1q32.1.
Variant type: single nucleotide variant.
Coding change: c.2146G>A on transcript NM_001005337.3 (MANE Select); coding-DNA position 2146, G replaced by A.
Protein change: p.Ala716Thr; replaces alanine 716 with threonine.
Molecular consequence: missense variant.
Genome position (GRCh38, 1-based): chr1:201,328,801, G>A. VCF-style: chr1-201328801-G-A. GRCh37 (hg19) VCF-style: chr1-201297929-G-A.
Other names: c.2209G>A, p.Ala737Thr (NM_000299.4); short protein forms A716T, A737T.
Identifiers: ClinVar variation 4686159 (VCV004686159.1).

ClinVar aggregate classification (germline): Uncertain significance (1 of 4 stars; one submission).

gnomAD v4.1: 118 of 1,614,018 alleles (0.0073%); highest among the groups gnomAD compares: Non-Finnish European, 0.0097%; no homozygotes.

Submission:

GeneDx
Classification: Uncertain significance. Last evaluated: 2025-07-14. Review status: criteria provided, single submitter. Criteria: GeneDx Variant Classification Process June 2021. Collection method: clinical testing. Allele origin: germline. Affected: yes.
Comment: In silico analysis suggests that this missense variant does not alter protein structure/function; Has not been previously published as pathogenic or benign to our knowledge